The following is an entry in ClinVar:

NM_000235.4(LIPA):c.152A>G (p.Tyr51Cys)

Gene: LIPA (lipase A, lysosomal acid type; minus strand). Cytogenetic location: 10q23.31.
Variant type: single nucleotide variant.
Coding change: c.152A>G on transcript NM_000235.4 (MANE Select); coding-DNA position 152, A replaced by G.
Protein change: p.Tyr51Cys; replaces tyrosine 51 with cysteine.
Molecular consequence: missense variant. On other transcripts: intron variant (1).
Genome position (GRCh38, 1-based): chr10:89,245,753, T>C on the plus strand (A>G on the coding strand, the complement: LIPA is on the minus strand). VCF-style: chr10-89245753-T-C. GRCh37 (hg19) VCF-style: chr10-91005510-T-C.
Other names: c.152A>G, p.Tyr51Cys (NM_001127605.3); c.-120+5984A>G (NM_001288979.2); short protein forms Y51C.
Identifiers: ClinVar variation 1774580 (VCV001774580.3), dbSNP rs1843015719, ClinGen allele CA377518337.

ClinVar aggregate classification (germline): Uncertain significance. Review status: criteria provided, multiple submitters, no conflicts (2 of 4 stars). 2 submissions from 2 submitters: Uncertain significance (2). Last evaluated 2025-12-19.

Conditions:
Cardiovascular phenotype. Identifiers: MedGen CN230736.
Wolman disease (WOLD). Also called: Acid cholesteryl ester hydrolase deficiency, Wolman type; Acid lipase disease; LYSOSOMAL ACID LIPASE DEFICIENCY, ACUTE INFANTILE; LYSOSOMAL ACID LIPASE DEFICIENCY, COMPLETE; LIPA DEFICIENCY, COMPLETE; LAL DEFICIENCY, COMPLETE. Identifiers: Orphanet 75233, MedGen C0043208, MONDO:0019148, OMIM 620151.

Allele frequency attached by ClinVar (database versions not stated): gnomAD exomes below 0.00001; TOPMed below 0.00001.

Submissions (2):

Labcorp Genetics (formerly Invitae), Labcorp
Classification: Uncertain significance for Wolman disease. Last evaluated: 2025-12-19. Review status: criteria provided, single submitter. Criteria: Invitae Variant Classification Sherloc (09022015). Collection method: clinical testing. Allele origin: germline.
Comment: This sequence change replaces tyrosine, which is neutral and polar, with cysteine, which is neutral and slightly polar, at codon 51 of the LIPA protein (p.Tyr51Cys). This variant is not present in population databases (gnomAD no frequency). This variant has not been reported in the literature in individuals affected with LIPA-related conditions. ClinVar contains an entry for this variant (Variation ID: 1774580). Invitae Evidence Modeling of protein sequence and biophysical properties (such as structural, functional, and spatial information, amino acid conservation, physicochemical variation, residue mobility, and thermodynamic stability) indicates that this missense variant is expected to disrupt LIPA protein function with a positive predictive value of 95%. In summary, the available evidence is currently insufficient to determine the role of this variant in disease. Therefore, it has been classified as a Variant of Uncertain Significance.

Ambry Genetics
Classification: Uncertain significance for Cardiovascular phenotype. Last evaluated: 2022-08-01. Review status: criteria provided, single submitter. Criteria: Ambry Variant Classification Scheme 2023. Collection method: clinical testing. Allele origin: germline.
Comment: The p.Y51C variant (also known as c.152A>G), located in coding exon 2 of the LIPA gene, results from an A to G substitution at nucleotide position 152. The tyrosine at codon 51 is replaced by cysteine, an amino acid with highly dissimilar properties. This amino acid position is conserved. In addition, the in silico prediction for this alteration is inconclusive. Since supporting evidence is limited at this time, the clinical significance of this alteration remains unclear.